The following is an entry in ClinVar:

NM_001130438.3(SPTAN1):c.3415-17T>C

Gene: SPTAN1 (spectrin alpha, non-erythrocytic 1; plus strand). Cytogenetic location: 9q34.11.
Variant type: single nucleotide variant.
Coding change: c.3415-17T>C on transcript NM_001130438.3 (MANE Select); 17 bases into the intron before coding-DNA position 3415, T replaced by C.
Molecular consequence: intron variant.
Genome position (GRCh38, 1-based): chr9:128,598,383, T>C. VCF-style: chr9-128598383-T-C. GRCh37 (hg19) VCF-style: chr9-131360662-T-C.
Other names: c.3451-17T>C (NM_001375318.1, NM_001375312.2); c.3415-17T>C (NM_001375311.2, NM_001375310.1, NM_001363759.2 and 2 more transcripts); c.3355-17T>C (NM_001375314.2, NM_001363765.2, NM_001195532.2).
Identifiers: ClinVar variation 2004750 (VCV002004750.4), dbSNP rs1302193621, ClinGen allele CA860268922.

ClinVar aggregate classification (germline): Uncertain significance (1 of 4 stars; one submission).

Conditions:
Early-infantile DEE. Also called: Early infantile epileptic encephalopathy; Ohtahara syndrome; Early infantile epileptic encephalopathy with suppression bursts. Identifiers: Orphanet 1934, MedGen C0393706, MONDO:0800491.

Submission:

Labcorp Genetics (formerly Invitae), Labcorp
Classification: Uncertain significance for Early-infantile DEE. Last evaluated: 2022-06-22. Review status: criteria provided, single submitter. Criteria: Invitae Variant Classification Sherloc (09022015). Collection method: clinical testing. Allele origin: germline.
Comment: This variant has not been reported in the literature in individuals affected with SPTAN1-related conditions. In summary, the available evidence is currently insufficient to determine the role of this variant in disease. Therefore, it has been classified as a Variant of Uncertain Significance. Algorithms developed to predict the effect of sequence changes on RNA splicing suggest that this variant may create or strengthen a splice site. This sequence change falls in intron 24 of the SPTAN1 gene. It does not directly change the encoded amino acid sequence of the SPTAN1 protein. This variant is not present in population databases (gnomAD no frequency).